The following is an entry in ClinVar:

NM_024757.5(EHMT1):c.*6C>T

Gene: EHMT1 (euchromatic histone lysine methyltransferase 1; plus strand). Cytogenetic location: 9q34.3.
Variant type: single nucleotide variant.
Coding change: c.*6C>T on transcript NM_024757.5 (MANE Select); 6 bases downstream of the stop codon, C replaced by T.
Molecular consequence: 3 prime UTR variant.
Genome position (GRCh38, 1-based): chr9:137,834,959, C>T. VCF-style: chr9-137834959-C-T. GRCh37 (hg19) VCF-style: chr9-140729411-C-T.
Other names: c.*6C>T (NM_001354263.2).
Identifiers: ClinVar variation 2136202 (VCV002136202.3), dbSNP rs1254463523, ClinGen allele CA591376073.

ClinVar aggregate classification (germline): Likely benign (1 of 4 stars; one submission).

Allele frequency attached by ClinVar (database versions not stated): gnomAD exomes below 0.00001; gnomAD 0.00001; TOPMed 0.00001.
gnomAD v4.1: 4 of 1,415,960 alleles (0.00028%); highest among the groups gnomAD compares: Non-Finnish European, 0.00027%; no homozygotes.

Submission:

GeneDx
Classification: Likely benign. Last evaluated: 2023-01-23. Review status: criteria provided, single submitter. Criteria: GeneDx Variant Classification Process June 2021. Collection method: clinical testing. Allele origin: germline. Affected: yes.
Comment: See Variant Classification Assertion Criteria.